The following is an entry in ClinVar:

NM_002691.4(POLD1):c.1384-12C>T

Gene: POLD1 (DNA polymerase delta 1, catalytic subunit; plus strand). Cytogenetic location: 19q13.33.
Variant type: single nucleotide variant.
Coding change: c.1384-12C>T on transcript NM_002691.4 (MANE Select); 12 bases into the intron before coding-DNA position 1384, C replaced by T.
Molecular consequence: intron variant.
Genome position (GRCh38, 1-based): chr19:50,406,395, C>T. VCF-style: chr19-50406395-C-T. GRCh37 (hg19) VCF-style: chr19-50909652-C-T.
Other names: c.1384-12C>T (NM_001256849.1, NM_001308632.1).
Identifiers: ClinVar variation 1927256 (VCV001927256.6), dbSNP rs1284009011, ClinGen allele CA883189900.

ClinVar aggregate classification (germline): Likely benign. Review status: criteria provided, multiple submitters, no conflicts (2 of 4 stars). 2 submissions from 2 submitters: Likely benign (2). Last evaluated 2025-02-06.

Conditions:
POLD1-related polyposis and colorectal cancer syndrome (CRCS10). Also called: Colorectal cancer 10; COLORECTAL CANCER, SUSCEPTIBILITY TO, ON CHROMOSOME 19q; Colorectal cancer, susceptibility to, 10. Identifiers: Orphanet 220460, MedGen C2675481, MONDO:0012953, OMIM 612591.

Allele frequency attached by ClinVar (database versions not stated): gnomAD exomes below 0.00001; TOPMed below 0.00001; gnomAD 0.00001.

Submissions (2):

Myriad Genetics, Inc.
Classification: Likely benign for POLD1-related polyposis and colorectal cancer syndrome. Last evaluated: 2025-02-06. Review status: criteria provided, single submitter. Criteria: Myriad Autosomal Dominant, Autosomal Recessive and X-Linked Classification Criteria (2023). Collection method: clinical testing. Allele origin: unknown.
Comment: This variant is considered likely benign. This variant is intronic and is not expected to impact mRNA splicing.

Labcorp Genetics (formerly Invitae), Labcorp
Classification: Likely benign for POLD1-related polyposis and colorectal cancer syndrome. Last evaluated: 2023-03-18. Review status: criteria provided, single submitter. Criteria: Invitae Variant Classification Sherloc (09022015). Collection method: clinical testing. Allele origin: germline.